The following is an entry in ClinVar:

ClinVar aggregate classification (germline): Likely pathogenic (1 of 4 stars; one submission).

Conditions:
Retinitis pigmentosa (RP). Identifiers: Orphanet 791, MedGen C0035334, MeSH D012174, MONDO:0019200, OMIM 268000. Inheritance: Autosomal dominant, autosomal recessive and X linked inheritance.

Submission:

Broad Center for Mendelian Genomics, Broad Institute of MIT and Harvard
Classification: Likely pathogenic for Retinitis pigmentosa. Last evaluated: 2021-04-01. Review status: criteria provided, single submitter. Criteria: ACMG Guidelines, 2015. Collection method: curation. Allele origin: germline. Inheritance: Autosomal dominant inheritance. Affected: yes.
Comment: Through a review of available evidence we were able to apply the following criteria: PVS1, PM2. Based on this evidence we have classified this variant as Likely Pathogenic. If you have any questions about the classification please reach out to the Pierce Lab.

Literature cited by the submitters: PubMed 34906470.

NM_015629.4(PRPF31):c.1095del (p.Leu366fs)

Gene: PRPF31 (pre-mRNA processing factor 31; plus strand). Cytogenetic location: 19q13.42.
Variant type: Deletion.
Coding change: c.1095del on transcript NM_015629.4 (MANE Select); coding-DNA position 1095, one base deleted (G; older notation c.1095delG).
Protein change: p.Leu366fs; shifts the reading frame from leucine 366.
Molecular consequence: frameshift variant.
Genome position (GRCh38, 1-based): chr19:54,128,326, G deleted; the last of 2 consecutive G bases (chr19:54,128,325-54,128,326); deleting either gives the same sequence. VCF-style (leftmost placement, unchanged base first): chr19-54128324-CG-C. GRCh37 (hg19) VCF-style: chr19-54631699-CG-C.
Other names: short protein forms L366fs.
Identifiers: ClinVar variation 1297105 (VCV001297105.2), dbSNP rs2146445593, ClinGen allele CA2499225595.
Genomic context (GRCh38, chr19:54,128,324, plus strand): 5'-CCCAGCCGACTCCCTGGCGCCGCCCACCCACCCGTCCCCAGGTACCGCAAGATGAAGGAG[CG>C]GCTGGGGCTGACGGAGATCCGGAAGCAGGCCAACCGTATGAGCTTCGGAGAGGTCAGACT-3'